The following is an entry in ClinVar:

NM_000147.5(FUCA1):c.1261-1G>A

Gene: FUCA1 (alpha-L-fucosidase 1; minus strand). Cytogenetic location: 1p36.11.
Variant type: single nucleotide variant.
Coding change: c.1261-1G>A on transcript NM_000147.5 (MANE Select); the canonical splice acceptor site of the intron before coding-DNA position 1261, G replaced by A.
Molecular consequence: splice acceptor variant.
Genome position (GRCh38, 1-based): chr1:23,845,856, C>T on the plus strand (G>A on the coding strand, the complement: FUCA1 is on the minus strand). VCF-style: chr1-23845856-C-T. GRCh37 (hg19) VCF-style: chr1-24172346-C-T.
Identifiers: ClinVar variation 2907270 (VCV002907270.3), dbSNP rs2521616187, ClinGen allele CA339034230.

ClinVar aggregate classification (germline): Likely pathogenic (1 of 4 stars; one submission).

Conditions:
Fucosidosis. Also called: ALPHA-L-FUCOSIDASE DEFICIENCY. Identifiers: Orphanet 349, MedGen C0016788, MONDO:0009254, OMIM 230000.

Submission:

Labcorp Genetics (formerly Invitae), Labcorp
Classification: Likely pathogenic for Fucosidosis. Last evaluated: 2023-10-14. Review status: criteria provided, single submitter. Criteria: Invitae Variant Classification Sherloc (09022015). Collection method: clinical testing. Allele origin: germline.
Comment: This sequence change affects an acceptor splice site in intron 7 of the FUCA1 gene. While this variant is not anticipated to result in nonsense mediated decay, it likely alters RNA splicing and results in a disrupted protein product. This variant is not present in population databases (gnomAD no frequency). Disruption of this splice site has been observed in individual(s) with fucosidosis (PMID: 31064022). Variants that disrupt the consensus splice site are a relatively common cause of aberrant splicing (PMID: 17576681, 9536098). Algorithms developed to predict the effect of sequence changes on RNA splicing suggest that this variant may disrupt the consensus splice site. In summary, the currently available evidence indicates that the variant is pathogenic, but additional data are needed to prove that conclusively. Therefore, this variant has been classified as Likely Pathogenic.

Literature cited by the submitters: PubMed 31064022; PubMed 17576681; PubMed 9536098.